The following is an entry in ClinVar:

NM_018036.7(ATG2B):c.4161+4C>T

Gene: ATG2B (autophagy related 2B; minus strand). Cytogenetic location: 14q32.2.
Variant type: single nucleotide variant.
Coding change: c.4161+4C>T on transcript NM_018036.7 (MANE Select); 4 bases into the intron after coding-DNA position 4161, C replaced by T.
Molecular consequence: intron variant.
Genome position (GRCh38, 1-based): chr14:96,311,113, G>A on the plus strand (C>T on the coding strand, the complement: ATG2B is on the minus strand). VCF-style: chr14-96311113-G-A. GRCh37 (hg19) VCF-style: chr14-96777450-G-A.
Identifiers: ClinVar variation 3057870 (VCV003057870.2), dbSNP rs778335132, ClinGen allele CA7336028.

ClinVar aggregate classification (germline): Likely benign (0 of 4 stars; one submission).

Conditions:
ATG2B-related disorder. Also called: ATG2B-related condition.

Allele frequency attached by ClinVar (database versions not stated): TOPMed 0.00002; gnomAD exomes 0.00004; ExAC 0.00005; gnomAD 0.00009.
gnomAD v4.1: 63 of 1,604,682 alleles (0.0039%); highest among the groups gnomAD compares: South Asian, 0.0067%; no homozygotes.

Submission:

PreventionGenetics, part of Exact Sciences
Classification: Likely benign for ATG2B-related condition. Last evaluated: 2019-04-24. Review status: no assertion criteria provided. Collection method: clinical testing. Allele origin: germline.
Comment: This variant is classified as likely benign based on ACMG/AMP sequence variant interpretation guidelines (Richards et al. 2015 PMID: 25741868, with internal and published modifications).